The following is an entry in ClinVar:

NM_001367624.2(ZNF469):c.460C>A (p.Gln154Lys)

Gene: ZNF469 (zinc finger protein 469; plus strand). Cytogenetic location: 16q24.2.
Variant type: single nucleotide variant.
Coding change: c.460C>A on transcript NM_001367624.2 (MANE Select); coding-DNA position 460, C replaced by A.
Protein change: p.Gln154Lys; replaces glutamine 154 with lysine.
Molecular consequence: missense variant.
Genome position (GRCh38, 1-based): chr16:88,427,930, C>A. VCF-style: chr16-88427930-C-A. GRCh37 (hg19) VCF-style: chr16-88494338-C-A.
Other names: short protein forms Q154K.
Identifiers: ClinVar variation 1967632 (VCV001967632.2), dbSNP rs757211390, ClinGen allele CA8224588.

ClinVar aggregate classification (germline): Uncertain significance (1 of 4 stars; one submission).

Allele frequency attached by ClinVar (database versions not stated): gnomAD exomes below 0.00001; gnomAD 0.00002; TOPMed 0.00003.
gnomAD v4.1: 8 of 1,549,870 alleles (0.00052%); highest among the groups gnomAD compares: African/African-American, 0.011%; no homozygotes.

Submission:

Labcorp Genetics (formerly Invitae), Labcorp
Classification: Uncertain significance. Last evaluated: 2022-08-11. Review status: criteria provided, single submitter. Criteria: Invitae Variant Classification Sherloc (09022015). Collection method: clinical testing. Allele origin: germline.
Comment: This sequence change replaces glutamine, which is neutral and polar, with lysine, which is basic and polar, at codon 154 of the ZNF469 protein (p.Gln154Lys). The frequency data for this variant in the population databases is considered unreliable, as metrics indicate poor data quality at this position in the gnomAD database. This variant has not been reported in the literature in individuals affected with ZNF469-related conditions. Algorithms developed to predict the effect of missense changes on protein structure and function output the following: SIFT: "Tolerated"; PolyPhen-2: "Benign"; Align-GVGD: "Class C0". The lysine amino acid residue is found in multiple mammalian species, which suggests that this missense change does not adversely affect protein function. In summary, the available evidence is currently insufficient to determine the role of this variant in disease. Therefore, it has been classified as a Variant of Uncertain Significance.